The following is an entry in ClinVar:

ClinVar aggregate classification (germline): Uncertain significance. Review status: criteria provided, multiple submitters, no conflicts (2 of 4 stars). 3 submissions from 3 submitters: Uncertain significance (3). Last evaluated 2025-12-22.

Conditions:
Hereditary nonpolyposis colorectal neoplasms. Identifiers: MedGen C0009405, MeSH D003123.
Hereditary cancer-predisposing syndrome. Also called: Tumor predisposition; Hereditary neoplastic syndrome; Hereditary Cancer Syndrome; Neoplastic Syndromes, Hereditary. Identifiers: Orphanet 140162, MedGen C0027672, MeSH D009386, MONDO:0015356.

gnomAD v4.1: 2 of 1,611,710 alleles (0.00012%); highest among the groups gnomAD compares: African/African-American, 0.0027%; no homozygotes.

Submissions (3):

Ambry Genetics
Classification: Uncertain significance for Hereditary cancer-predisposing syndrome. Last evaluated: 2025-12-22. Review status: criteria provided, single submitter. Criteria: Ambry Variant Classification Scheme 2023. Collection method: clinical testing. Allele origin: germline.
Comment: The p.V159L variant (also known as c.475G>T), located in coding exon 5 of the PMS2 gene, results from a G to T substitution at nucleotide position 475. The valine at codon 159 is replaced by leucine, an amino acid with highly similar properties. This amino acid position is not well conserved in available vertebrate species, and leucine is the reference amino acid in other vertebrate species. In addition, this alteration is predicted to be tolerated by in silico analysis. Since supporting evidence is limited at this time, the clinical significance of this alteration remains unclear.

Labcorp Genetics (formerly Invitae), Labcorp
Classification: Uncertain significance for Hereditary nonpolyposis colorectal neoplasms. Last evaluated: 2024-07-02. Review status: criteria provided, single submitter. Criteria: Invitae Variant Classification Sherloc (09022015). Collection method: clinical testing. Allele origin: germline.
Comment: This sequence change replaces valine, which is neutral and non-polar, with leucine, which is neutral and non-polar, at codon 159 of the PMS2 protein (p.Val159Leu). This variant is present in population databases (no rsID available, gnomAD 0.007%). This variant has not been reported in the literature in individuals affected with PMS2-related conditions. ClinVar contains an entry for this variant (Variation ID: 231425). Advanced modeling of protein sequence and biophysical properties (such as structural, functional, and spatial information, amino acid conservation, physicochemical variation, residue mobility, and thermodynamic stability) has been performed at Invitae for this missense variant, however the output from this modeling did not meet the statistical confidence thresholds required to predict the impact of this variant on PMS2 protein function. In summary, the available evidence is currently insufficient to determine the role of this variant in disease. Therefore, it has been classified as a Variant of Uncertain Significance.

Genetic Services Laboratory, University of Chicago
Classification: Uncertain significance. Last evaluated: 2020-02-03. Review status: criteria provided, single submitter. Criteria: ACMG Guidelines, 2015. Collection method: clinical testing. Allele origin: germline. Affected: no.
Comment: DNA sequence analysis of the PMS2 gene demonstrated a sequence change, c.475G>T, in exon 5 that results in an amino acid change, p.Val159Leu. This sequence change does not appear to have been previously described in patients with PMS2-related disorders and has been described in the gnomAD database in one individual which corresponds to a population frequency of 0.00040% (dbSNP rs142416537). The p.Val159Leu change affects a moderately conserved amino acid residue located in a domain of the PMS2 protein that is known to be functional. The p.Val159Leu substitution appears to be benign using several in-silico pathogenicity prediction tools (SIFT, PolyPhen2, Align GVGD, REVEL). Due to these contrasting evidences and the lack of functional studies, the clinical significance of the p.Val159Leu change remains unknown at this time.

NM_000535.7(PMS2):c.475G>T (p.Val159Leu)

Gene: PMS2 (PMS1 homolog 2, mismatch repair system component; minus strand). Cytogenetic location: 7p22.1.
Variant type: single nucleotide variant.
Coding change: c.475G>T on transcript NM_000535.7 (MANE Select); coding-DNA position 475, G replaced by T.
Protein change: p.Val159Leu; replaces valine 159 with leucine.
Molecular consequence: missense variant. On other transcripts: 5 prime UTR variant (2), non-coding transcript variant (1).
Genome position (GRCh38, 1-based): chr7:6,002,515, C>A on the plus strand (G>T on the coding strand, the complement: PMS2 is on the minus strand). VCF-style: chr7-6002515-C-A. GRCh37 (hg19) VCF-style: chr7-6042146-C-A.
Other names: c.70G>T, p.Val24Leu (NM_001322003.2, NM_001322004.2, NM_001322005.2 and 3 more transcripts); c.475G>T, p.Val159Leu (NM_001322006.2, NM_001322014.2); c.157G>T, p.Val53Leu (NM_001322007.2, NM_001322008.2); c.-410G>T (NM_001322011.2, NM_001322012.2); c.166G>T, p.Val56Leu (NM_001322015.2); short protein forms V159L, V56L, V24L, V53L.
Identifiers: ClinVar variation 231425 (VCV000231425.16), dbSNP rs142416537, ClinGen allele CA10578710.